The following is an entry in ClinVar:

ClinVar aggregate classification (germline): Uncertain significance (1 of 4 stars; one submission).

Conditions:
Hereditary nonpolyposis colorectal neoplasms. Identifiers: MedGen C0009405, MeSH D003123.

Submission:

Labcorp Genetics (formerly Invitae), Labcorp
Classification: Uncertain significance for Hereditary nonpolyposis colorectal neoplasms. Last evaluated: 2020-07-09. Review status: criteria provided, single submitter. Criteria: Invitae Variant Classification Sherloc (09022015). Collection method: clinical testing. Allele origin: germline.
Comment: Algorithms developed to predict the effect of missense changes on protein structure and function do not agree on the potential impact of this missense change (SIFT: "Tolerated"; PolyPhen-2: "Possibly Damaging"; Align-GVGD: "Class C0"). This sequence change replaces leucine with methionine at codon 893 of the MSH6 protein (p.Leu893Met). The leucine residue is moderately conserved and there is a small physicochemical difference between leucine and methionine. This variant is not present in population databases (ExAC no frequency) and has not been reported in the literature in individuals with a MSH6-related disease. In summary, this variant is a novel missense change with uncertain impact on protein function. It has been classified as a Variant of Uncertain Significance.

NM_000179.3(MSH6):c.2677C>A (p.Leu893Met)

Gene: MSH6 (mutS homolog 6; plus strand). Cytogenetic location: 2p16.3.
Variant type: single nucleotide variant.
Coding change: c.2677C>A on transcript NM_000179.3 (MANE Select); coding-DNA position 2677, C replaced by A.
Protein change: p.Leu893Met; replaces leucine 893 with methionine.
Molecular consequence: missense variant.
Genome position (GRCh38, 1-based): chr2:47,800,660, C>A. VCF-style: chr2-47800660-C-A. GRCh37 (hg19) VCF-style: chr2-48027799-C-A.
Other names: c.2287C>A, p.Leu763Met (NM_001281492.2); c.1771C>A, p.Leu591Met (NM_001281493.2, NM_001281494.2); short protein forms L893M, L591M, L763M.
Identifiers: ClinVar variation 410495 (VCV000410495.48), dbSNP rs370754319, ClinGen allele CA16611155.